The following is an entry in ClinVar:

ClinVar aggregate classification (germline): Likely benign. Review status: criteria provided, multiple submitters, no conflicts (2 of 4 stars). 2 submissions from 2 submitters: Likely benign (2). Last evaluated 2023-12-18.

Conditions:
Autosomal dominant nonsyndromic hearing loss 20. Identifiers: Orphanet 90635, MedGen C1858172, MONDO:0011480, OMIM 604717.
Baraitser-winter syndrome 2. Identifiers: Orphanet 2995, MedGen C3281235, MONDO:0013812, OMIM 614583.

Allele frequency attached by ClinVar (database versions not stated): gnomAD exomes below 0.00001 and 0.00001; ExAC 0.00002.
gnomAD v4.1: 5 of 1,614,016 alleles (0.00031%); highest among the groups gnomAD compares: Admixed American, 0.0033%; no homozygotes.

Submissions (2):

Labcorp Genetics (formerly Invitae), Labcorp
Classification: Likely benign for Baraitser-winter syndrome 2; Autosomal dominant nonsyndromic hearing loss 20. Last evaluated: 2023-12-18. Review status: criteria provided, single submitter. Criteria: Invitae Variant Classification Sherloc (09022015). Collection method: clinical testing. Allele origin: germline.

Laboratory for Molecular Medicine, Mass General Brigham Personalized Medicine
Classification: Likely benign. Last evaluated: 2013-11-06. Review status: criteria provided, single submitter. Criteria: LMM Criteria. Collection method: clinical testing. Allele origin: germline. Observed: 1 variant allele.
Comment: Glu276Glu in Exon 5 of ACTG1: This variant is not expected to have clinical sign ificance because it does not alter an amino acid residue and is not located with in the splice consensus sequence.

NM_001614.5(ACTG1):c.828G>A (p.Glu276=)

Gene: ACTG1 (actin gamma 1; minus strand). Cytogenetic location: 17q25.3.
Variant type: single nucleotide variant.
Coding change: c.828G>A on transcript NM_001614.5 (MANE Select); coding-DNA position 828, G replaced by A.
Protein change: p.Glu276=; no amino-acid change (glutamic acid 276 retained).
Molecular consequence: synonymous variant. On other transcripts: non-coding transcript variant (1).
Genome position (GRCh38, 1-based): chr17:81,511,083, C>T on the plus strand (G>A on the coding strand, the complement: ACTG1 is on the minus strand). VCF-style: chr17-81511083-C-T. GRCh37 (hg19) VCF-style: chr17-79478109-C-T.
Other names: c.828G>A, p.Glu276= (NM_001199954.3).
Identifiers: ClinVar variation 179344 (VCV000179344.8), dbSNP rs727504806, ClinGen allele CA184236.
Genomic context (GRCh38, chr17:81,511,083, plus strand): 5'-GTTGGCGTACAGGTCTTTGCGGATGTCCACGTCACACTTCATGATGGAGTTGAAGGTGGT[C>T]TCGTGGATGCCGCAAGATTCCATACCTAGGGGACAGAGCCCTCCCTTAGTGATGCTGTGT-3'
Protein context (NP_001605.1, residues 266-286): FLGMESCGIH[Glu276=]TTFNSIMKCD